The following is an entry in ClinVar:

NM_006662.3(SRCAP):c.6715C>T (p.His2239Tyr)

Gene: SRCAP (Snf2 related CREBBP activator protein; plus strand). Cytogenetic location: 16p11.2.
Variant type: single nucleotide variant.
Coding change: c.6715C>T on transcript NM_006662.3 (MANE Select); coding-DNA position 6715, C replaced by T.
Protein change: p.His2239Tyr; replaces histidine 2239 with tyrosine.
Molecular consequence: missense variant.
Genome position (GRCh38, 1-based): chr16:30,734,601, C>T. VCF-style: chr16-30734601-C-T. GRCh37 (hg19) VCF-style: chr16-30745922-C-T.
Other names: short protein forms H2239Y.
Identifiers: ClinVar variation 1544744 (VCV001544744.10), dbSNP rs147999557, ClinGen allele CA8012309.

ClinVar aggregate classification (germline): Likely benign. Review status: criteria provided, multiple submitters, no conflicts (2 of 4 stars). 3 submissions from 3 submitters: Likely benign (3). Last evaluated 2026-02-01.

Conditions:
Inborn genetic diseases. Identifiers: MedGen C0950123, MeSH D030342.

Allele frequency attached by ClinVar (database versions not stated): gnomAD 0.00011; ExAC 0.00012; ESP Exome Variant Server 0.00015; gnomAD exomes 0.00006; TOPMed 0.00007.
gnomAD v4.1: 110 of 1,613,896 alleles (0.0068%); highest among the groups gnomAD compares: Middle Eastern, 0.033%; no homozygotes.

Submissions (3):

Labcorp Genetics (formerly Invitae), Labcorp
Classification: Likely benign. Last evaluated: 2026-02-01. Review status: criteria provided, single submitter. Criteria: Invitae Variant Classification Sherloc (09022015). Collection method: clinical testing. Allele origin: germline.

Women's Health and Genetics/Laboratory Corporation of America, LabCorp
Classification: Likely benign. Last evaluated: 2025-06-30. Review status: criteria provided, single submitter. Criteria: LabCorp Variant Classification Summary - May 2015. Collection method: clinical testing. Allele origin: germline.
Comment: Variant summary: SRCAP c.6715C>T (p.His2239Tyr) results in a conservative amino acid change in the encoded protein sequence. Algorithms developed to predict the effect of missense changes on protein structure and function all suggest that this variant is likely to be tolerated. The variant allele was found at a frequency of 6.8e-05 in 1613896 control chromosomes, predominantly at a frequency of 0.0014 within the Ashkenazi Jewish subpopulation in the gnomAD database. The observed variant frequency within Ashkenazi Jewish control individuals in the gnomAD database exceeds the estimated maximal expected allele frequency for a pathogenic variant in SRCAP causing Floating-Harbor Syndrome phenotype. To our knowledge, no occurrence of c.6715C>T in individuals affected with Floating-Harbor Syndrome and no experimental evidence demonstrating its impact on protein function have been reported. ClinVar contains an entry for this variant (Variation ID: 1544744). Based on the evidence outlined above, the variant was classified as likely benign.

Ambry Genetics
Classification: Likely benign for Inborn genetic diseases. Last evaluated: 2022-08-26. Review status: criteria provided, single submitter. Criteria: Ambry Variant Classification Scheme 2023. Collection method: clinical testing. Allele origin: germline.